The following is an entry in ClinVar:

NM_000392.5(ABCC2):c.655C>T (p.Arg219Cys)

Gene: ABCC2 (ATP binding cassette subfamily C member 2; plus strand). Cytogenetic location: 10q24.2.
Variant type: single nucleotide variant.
Coding change: c.655C>T on transcript NM_000392.5 (MANE Select); coding-DNA position 655, C replaced by T.
Protein change: p.Arg219Cys; replaces arginine 219 with cysteine.
Molecular consequence: missense variant.
Genome position (GRCh38, 1-based): chr10:99,797,119, C>T. VCF-style: chr10-99797119-C-T. GRCh37 (hg19) VCF-style: chr10-101556876-C-T.
Other names: c.655C>T, p.Arg219Cys (LRG_1208t1); c.655C>T (NM_000392.4); short protein forms R219C.
Identifiers: ClinVar variation 595317 (VCV000595317.7), dbSNP rs572309746, ClinGen allele CA5642969.

ClinVar aggregate classification (germline): Uncertain significance. Review status: criteria provided, single submitter (1 of 4 stars). 2 submissions from 2 submitters: Uncertain significance (1). 1 of the submissions does not count toward it. Last evaluated 2017-12-08.

Conditions:
ABCC2-related disorder. Also called: ABCC2-related condition.

Allele frequency attached by ClinVar (database versions not stated): gnomAD 0.00006; TOPMed 0.00002.

Submissions (2):

Eurofins Ntd Llc (ga)
Classification: Uncertain significance. Last evaluated: 2017-12-08. Review status: criteria provided, single submitter. Criteria: EGL Classification Definitions 2015. Collection method: clinical testing. Allele origin: germline. Observed: 1 variant allele, 1 heterozygote.

PreventionGenetics, part of Exact Sciences
Classification: Uncertain significance for ABCC2-related condition. Last evaluated: 2023-12-19. Review status: no assertion criteria provided. Collection method: clinical testing. Allele origin: germline. Not counted in ClinVar's aggregate classification.
Comment: The ABCC2 c.655C>T variant is predicted to result in the amino acid substitution p.Arg219Cys. To our knowledge, this variant has not been reported in the literature. This variant is reported in 0.020% of alleles in individuals of African descent in gnomAD. At this time, the clinical significance of this variant is uncertain due to the absence of conclusive functional and genetic evidence.